The following is an entry in ClinVar:

ClinVar aggregate classification (germline): Benign (1 of 4 stars; one submission).

Conditions:
Exudative vitreoretinopathy 1 (EVR1). Also called: CRISWICK-SCHEPENS SYNDROME; FEVR, AUTOSOMAL DOMINANT; Familial exudative vitreoretinopathy, autosomal dominant. Identifiers: Orphanet 891, Orphanet 90050, MedGen C1851402, MONDO:0007589, OMIM 133780.

Allele frequency attached by ClinVar (database versions not stated): gnomAD 0.00599; TOPMed 0.00721; 1000 Genomes Project 0.00759; 1000 Genomes Project 30x 0.00796.

Submission:

Illumina Laboratory Services, Illumina
Classification: Benign for Exudative vitreoretinopathy 1. Last evaluated: 2018-01-13. Review status: criteria provided, single submitter. Criteria: ICSL Variant Classification Criteria 13 December 2019. Collection method: clinical testing. Allele origin: germline.
Comment: This variant was observed in the ICSL laboratory as part of a predisposition screen in an ostensibly healthy population. It had not been previously curated by ICSL or reported in the Human Gene Mutation Database (HGMD: prior to June 1st, 2018), and was therefore a candidate for classification through an automated scoring system. Utilizing variant allele frequency, disease prevalence and penetrance estimates, and inheritance mode, an automated score was calculated to assess if this variant is too frequent to cause the disease. Based on the score and internal cut-off values, a variant classified as benign is not then subjected to further curation. The score for this variant resulted in a classification of benign for this disease.

NM_012193.4(FZD4):c.*2101C>G

Genes: PRSS23 (serine protease 23; plus strand), FZD4 (frizzled class receptor 4; minus strand). Cytogenetic location: 11q14.2.
Variant type: single nucleotide variant.
Coding change: c.*2101C>G on transcript NM_012193.4 (MANE Select); 2101 bases downstream of the stop codon, C replaced by G.
Molecular consequence: 3 prime UTR variant.
Genome position (GRCh38, 1-based): chr11:86,949,041, G>C on the plus strand (C>G on the coding strand, the complement: FZD4 is on the minus strand). VCF-style: chr11-86949041-G-C. GRCh37 (hg19) VCF-style: chr11-86660083-G-C.
Identifiers: ClinVar variation 306380 (VCV000306380.5), dbSNP rs77034986, ClinGen allele CA10639600.